The following is an entry in ClinVar:

NM_003482.4(KMT2D):c.15285C>T (p.Cys5095=)

Gene: KMT2D (lysine methyltransferase 2D; minus strand). Cytogenetic location: 12q13.12.
Variant type: single nucleotide variant.
Coding change: c.15285C>T on transcript NM_003482.4 (MANE Select); coding-DNA position 15285, C replaced by T.
Protein change: p.Cys5095=; no amino-acid change (cysteine 5095 retained).
Molecular consequence: synonymous variant.
Genome position (GRCh38, 1-based): chr12:49,026,681, G>A on the plus strand (C>T on the coding strand, the complement: KMT2D is on the minus strand). VCF-style: chr12-49026681-G-A. GRCh37 (hg19) VCF-style: chr12-49420464-G-A.
Other names: c.15285C>T (NM_003482.3).
Identifiers: ClinVar variation 1579545 (VCV001579545.28), dbSNP rs747841279, ClinGen allele CA6545582.

ClinVar aggregate classification (germline): Likely benign. Review status: criteria provided, multiple submitters, no conflicts (2 of 4 stars). 4 submissions from 4 submitters: Likely benign (3). 1 of the submissions does not count toward it. Last evaluated 2025-08-30.

Conditions:
Kabuki syndrome. Also called: NIIKAWA-KUROKI SYNDROME; Kabuki make-up syndrome. Identifiers: Orphanet 2322, MedGen C0796004, MONDO:0016512.
KMT2D-related disorder. Also called: KMT2D-Related Disorders.

Allele frequency attached by ClinVar (database versions not stated): gnomAD exomes 0.00001 and 0.00005; TOPMed 0.00001; ExAC 0.00005.
gnomAD v4.1: 26 of 1,613,992 alleles (0.0016%); highest among the groups gnomAD compares: Middle Eastern, 0.25%; no homozygotes.

Submissions (4):

Labcorp Genetics (formerly Invitae), Labcorp
Classification: Likely benign for Kabuki syndrome. Last evaluated: 2025-08-30. Review status: criteria provided, single submitter. Criteria: Invitae Variant Classification Sherloc (09022015). Collection method: clinical testing. Allele origin: germline.

Women's Health and Genetics/Laboratory Corporation of America, LabCorp
Classification: Likely benign. Last evaluated: 2025-05-27. Review status: criteria provided, single submitter. Criteria: LabCorp Variant Classification Summary - May 2015. Collection method: clinical testing. Allele origin: germline.

CeGaT Center for Human Genetics Tuebingen
Classification: Likely benign. Last evaluated: 2025-02-01. Review status: criteria provided, single submitter. Criteria: CeGaT Center For Human Genetics Tuebingen Variant Classification Criteria Version 2. Collection method: clinical testing. Allele origin: germline. Affected: yes. Observed: 3 variant alleles.
Comment: KMT2D: BP4, BP7

PreventionGenetics, part of Exact Sciences
Classification: Likely benign for KMT2D-related condition. Last evaluated: 2022-06-06. Review status: no assertion criteria provided. Collection method: clinical testing. Allele origin: germline. Not counted in ClinVar's aggregate classification.
Comment: This variant is classified as likely benign based on ACMG/AMP sequence variant interpretation guidelines (Richards et al. 2015 PMID: 25741868, with internal and published modifications).